The following is an entry in ClinVar:

NM_000551.4(VHL):c.376G>T (p.Asp126Tyr)

Genes: VHL (von Hippel-Lindau tumor suppressor; plus strand), LOC107303340 (3p25 von Hippel-Lindau tumor suppressor, E3 ubiquitin protein ligase Alu-mediated recombination region; plus strand). Cytogenetic location: 3p25.3.
Variant type: single nucleotide variant.
Coding change: c.376G>T on transcript NM_000551.4 (MANE Select); coding-DNA position 376, G replaced by T.
Protein change: p.Asp126Tyr; replaces aspartic acid 126 with tyrosine.
Molecular consequence: missense variant. On other transcripts: intron variant (2).
Genome position (GRCh38, 1-based): chr3:10,146,549, G>T. VCF-style: chr3-10146549-G-T. GRCh37 (hg19) VCF-style: chr3-10188233-G-T.
Other names: c.*18-3238G>T (NM_001354723.2); c.341-3238G>T (NM_198156.3); short protein forms D126Y.
Identifiers: ClinVar variation 2230 (VCV000002230.11), dbSNP rs104893831, ClinGen allele CA020319.
Genomic context (GRCh38, chr3:10,146,549, plus strand): 5'-TAACAACCTTTGCTTGTCCCGATAGGTCACCTTTGGCTCTTCAGAGATGCAGGGACACAC[G>T]ATGGGCTTCTGGTTAACCAAACTGAATTATTTGTGCCATCTCTCAATGTTGACGGACAGC-3'
Protein context (NP_000542.1, residues 116-136): LWLFRDAGTH[Asp126Tyr]GLLVNQTELF

ClinVar aggregate classification (germline): Likely pathogenic. Review status: criteria provided, single submitter (1 of 4 stars). 2 submissions from 2 submitters: Likely pathogenic (1). 1 of the submissions does not count toward it. Last evaluated 2025-01-13.

Conditions:
Chuvash polycythemia. Also called: POLYCYTHEMIA, VHL-DEPENDENT. Identifiers: Orphanet 238557, MedGen C1837915, MONDO:0009892, OMIM 263400.
Von Hippel-Lindau syndrome (VHLS). Also called: VHL syndrome; Von Hippel-Lindau; von Hippel–Lindau syndrome. Identifiers: Orphanet 892, MedGen C0019562, MONDO:0008667, OMIM 193300. Disease mechanism: loss of function.

Submissions (2):

Labcorp Genetics (formerly Invitae), Labcorp
Classification: Likely pathogenic for Von Hippel-Lindau syndrome; Chuvash polycythemia. Last evaluated: 2025-01-13. Review status: criteria provided, single submitter. Criteria: Invitae Variant Classification Sherloc (09022015). Collection method: clinical testing. Allele origin: germline.
Comment: This sequence change replaces aspartic acid, which is acidic and polar, with tyrosine, which is neutral and polar, at codon 126 of the VHL protein (p.Asp126Tyr). This variant is not present in population databases (gnomAD no frequency). This missense change has been observed in individual(s) with polycythemia (PMID: 12393546). ClinVar contains an entry for this variant (Variation ID: 2230). Invitae Evidence Modeling of protein sequence and biophysical properties (such as structural, functional, and spatial information, amino acid conservation, physicochemical variation, residue mobility, and thermodynamic stability) indicates that this missense variant is expected to disrupt VHL protein function with a positive predictive value of 95%. Experimental studies have shown that this missense change affects VHL function (PMID: 17967880). This variant disrupts the p.Asp126 amino acid residue in VHL. Other variant(s) that disrupt this residue have been determined to be pathogenic (PMID: 21454469, 24729484). This suggests that this residue is clinically significant, and that variants that disrupt this residue are likely to be disease-causing. In summary, the currently available evidence indicates that the variant is pathogenic, but additional data are needed to prove that conclusively. Therefore, this variant has been classified as Likely Pathogenic.

OMIM
Classification: Pathogenic for ERYTHROCYTOSIS, FAMILIAL, 2. Last evaluated: 2003-08-01. Review status: no assertion criteria provided. Collection method: literature only. Allele origin: germline. Not counted in ClinVar's aggregate classification.

Literature cited by the submitters: PubMed 12393546 (cited by Labcorp Genetics (formerly Invitae), Labcorp); PubMed 17967880 (cited by Labcorp Genetics (formerly Invitae), Labcorp); PubMed 21454469 (cited by Labcorp Genetics (formerly Invitae), Labcorp); PubMed 24729484 (cited by Labcorp Genetics (formerly Invitae), Labcorp); PubMed 12844285 (cited by OMIM).